The following is an entry in ClinVar:

ClinVar aggregate classification (germline): Uncertain significance (1 of 4 stars; one submission).

Conditions:
Gamma-aminobutyric acid transaminase deficiency (GABATD). Also called: GABA transaminase deficiency; Gamma aminobutyrate transaminase deficiency; 4 alpha aminobutyrate transaminase deficiency; GABA aminotransaminase deficiency. Identifiers: Orphanet 2066, MedGen C0342708, MONDO:0013166, OMIM 613163.

Submission:

Labcorp Genetics (formerly Invitae), Labcorp
Classification: Uncertain significance for Gamma-aminobutyric acid transaminase deficiency. Last evaluated: 2022-02-20. Review status: criteria provided, single submitter. Criteria: Invitae Variant Classification Sherloc (09022015). Collection method: clinical testing. Allele origin: germline.
Comment: In summary, the available evidence is currently insufficient to determine the role of this variant in disease. Therefore, it has been classified as a Variant of Uncertain Significance. Algorithms developed to predict the effect of missense changes on protein structure and function are either unavailable or do not agree on the potential impact of this missense change (SIFT: "Deleterious"; PolyPhen-2: "Probably Damaging"; Align-GVGD: "Class C0"). This variant has not been reported in the literature in individuals affected with ABAT-related conditions. This variant is not present in population databases (gnomAD no frequency). This sequence change replaces serine, which is neutral and polar, with phenylalanine, which is neutral and non-polar, at codon 146 of the ABAT protein (p.Ser146Phe).

NM_020686.6(ABAT):c.437C>T (p.Ser146Phe)

Gene: ABAT (4-aminobutyrate aminotransferase; plus strand). Cytogenetic location: 16p13.2.
Variant type: single nucleotide variant.
Coding change: c.437C>T on transcript NM_020686.6 (MANE Select); coding-DNA position 437, C replaced by T.
Protein change: p.Ser146Phe; replaces serine 146 with phenylalanine.
Molecular consequence: missense variant.
Genome position (GRCh38, 1-based): chr16:8,764,139, C>T. VCF-style: chr16-8764139-C-T. GRCh37 (hg19) VCF-style: chr16-8857996-C-T.
Other names: c.437C>T, p.Ser146Phe (NM_000663.5, NM_001127448.2, NM_001386600.1 and 10 more transcripts); c.302C>T, p.Ser101Phe (NM_001386610.1, NM_001386611.1, NM_001386612.1 and 1 more transcripts); c.191C>T, p.Ser64Phe (NM_001386614.1); c.533C>T, p.Ser178Phe (NM_001386615.1); short protein forms S101F, S146F, S178F, S64F.
Identifiers: ClinVar variation 2100619 (VCV002100619.4), dbSNP rs2549070196, ClinGen allele CA394688279.